The following is an entry in ClinVar:

ClinVar aggregate classification (germline): Conflicting classifications of pathogenicity. Review status: criteria provided, conflicting classifications (1 of 4 stars). 3 submissions from 3 submitters: Uncertain significance (2); Likely benign (1). Last evaluated 2025-04-29.

Conditions:
Hereditary cancer-predisposing syndrome. Also called: Neoplastic Syndromes, Hereditary; Hereditary Cancer Syndrome; Hereditary neoplastic syndrome; Tumor predisposition. Identifiers: Orphanet 140162, MedGen C0027672, MeSH D009386, MONDO:0015356.
Multiple endocrine neoplasia, type 1 (MEN1). Also called: MEN I; WERMER SYNDROME; Endocrine adenomatosis multiple; MEN 1; MEA I. Identifiers: Orphanet 652, MedGen C0025267, MeSH D018761, MONDO:0007540, OMIM 131100.

Allele frequency attached by ClinVar (database versions not stated): gnomAD exomes below 0.00001 and 0.00001; ExAC 0.00001; TOPMed 0.00001; gnomAD 0.00002.
gnomAD v4.1: 8 of 1,597,080 alleles (0.0005%); highest among the groups gnomAD compares: African/African-American, 0.0013%; no homozygotes.

Submissions (3):

Ambry Genetics
Classification: Uncertain significance for Hereditary cancer-predisposing syndrome. Last evaluated: 2025-04-29. Review status: criteria provided, single submitter. Criteria: Ambry Variant Classification Scheme 2023. Collection method: clinical testing. Allele origin: germline.
Comment: The p.R456C variant (also known as c.1366C>T), located in coding exon 9 of the MEN1 gene, results from a C to T substitution at nucleotide position 1366. The arginine at codon 456 is replaced by cysteine, an amino acid with highly dissimilar properties. This amino acid position is not well conserved in available vertebrate species. In addition, the in silico prediction for this alteration is inconclusive. Since supporting evidence is limited at this time, the clinical significance of this alteration remains unclear.

Labcorp Genetics (formerly Invitae), Labcorp
Classification: Likely benign for Multiple endocrine neoplasia, type 1. Last evaluated: 2024-09-04. Review status: criteria provided, single submitter. Criteria: Invitae Variant Classification Sherloc (09022015). Collection method: clinical testing. Allele origin: germline.

Baylor Genetics
Classification: Uncertain significance for Multiple Endocrine Neoplasia Type 1. Last evaluated: 2024-02-13. Review status: criteria provided, single submitter. Criteria: ACMG Guidelines, 2015. Collection method: clinical testing. Allele origin: unknown.

NM_001370259.2(MEN1):c.1366C>T (p.Arg456Cys)

Gene: MEN1 (menin 1; minus strand). Cytogenetic location: 11q13.1.
Variant type: single nucleotide variant.
Coding change: c.1366C>T on transcript NM_001370259.2 (MANE Select); coding-DNA position 1366, C replaced by T.
Protein change: p.Arg456Cys; replaces arginine 456 with cysteine.
Molecular consequence: missense variant.
Genome position (GRCh38, 1-based): chr11:64,804,801, G>A on the plus strand (C>T on the coding strand, the complement: MEN1 is on the minus strand). VCF-style: chr11-64804801-G-A. GRCh37 (hg19) VCF-style: chr11-64572273-G-A.
Other names: c.1381C>T, p.Arg461Cys (NM_000244.4, NM_130800.3, NM_130801.3 and 3 more transcripts); c.1492C>T, p.Arg498Cys (NM_001370251.2); c.1366C>T, p.Arg456Cys (NM_001370260.2, NM_001370261.2, NM_130799.3); c.1261C>T, p.Arg421Cys (NM_001370262.2, NM_001370263.2); short protein forms R421C, R456C, R498C, R461C.
Identifiers: ClinVar variation 848216 (VCV000848216.14), dbSNP rs765306552, ClinGen allele CA060546.